The following is an entry in ClinVar:

ClinVar aggregate classification (germline): Uncertain significance (1 of 4 stars; one submission).

Submission:

CeGaT Center for Human Genetics Tuebingen
Classification: Uncertain significance. Last evaluated: 2023-06-01. Review status: criteria provided, single submitter. Criteria: CeGaT Center For Human Genetics Tuebingen Variant Classification Criteria Version 2. Collection method: clinical testing. Allele origin: germline. Affected: yes. Observed: 1 variant allele.
Comment: ASXL3: PM2

NM_030632.3(ASXL3):c.6448C>T (p.Leu2150Phe)

Gene: ASXL3 (ASXL transcriptional regulator 3; plus strand). Cytogenetic location: 18q12.1.
Variant type: single nucleotide variant.
Coding change: c.6448C>T on transcript NM_030632.3 (MANE Select); coding-DNA position 6448, C replaced by T.
Protein change: p.Leu2150Phe; replaces leucine 2150 with phenylalanine.
Molecular consequence: missense variant.
Genome position (GRCh38, 1-based): chr18:33,746,296, C>T. VCF-style: chr18-33746296-C-T. GRCh37 (hg19) VCF-style: chr18-31326260-C-T.
Other names: short protein forms L2150F.
Identifiers: ClinVar variation 2648669 (VCV002648669.24), dbSNP rs2510934913, ClinGen allele CA402196897.
Genomic context (GRCh38, chr18:33,746,296, plus strand): 5'-CCACAAAAGCCTTTTACCCAATTAGCTGCTCAGAAAATGCAGGTGCAGCAACAACAGCAG[C>T]TCTGTGGAAATTATCCAACAATACACTTTGGTAGCACGAGTTTCAAAAGGGCAGCATCTG-3'
Protein context (NP_085135.1, residues 2140-2160): QKMQVQQQQQ[Leu2150Phe]CGNYPTIHFG